The following is an entry in ClinVar:

ClinVar aggregate classification (germline): Pathogenic (1 of 4 stars; one submission).

Conditions:
Combined oxidative phosphorylation defect type 14. Also called: Combined oxidative phosphorylation deficiency 14. Identifiers: Orphanet 319519, MedGen C4755312, MONDO:0013986, OMIM 614946.

Submission:

Labcorp Genetics (formerly Invitae), Labcorp
Classification: Pathogenic for Combined oxidative phosphorylation defect type 14. Last evaluated: 2019-04-17. Review status: criteria provided, single submitter. Criteria: Invitae Variant Classification Sherloc (09022015). Collection method: clinical testing. Allele origin: germline.
Comment: This variant is a gross deletion of the genomic region encompassing exons 2-4 of the FARS2 gene, which includes the initiator codon. The 5' end of this event is unknown as it extends beyond the assayed region for this gene and therefore may encompass additional genes. The 3' boundary is likely confined to intron 4 of the FARS2 gene. This is expected to result in an absent or disrupted protein product. This variant has not been reported in the literature in individuals with FARS2-related conditions. Loss-of-function variants in FARS2 are known to be pathogenic (PMID: 22833457). For these reasons, this variant has been classified as Pathogenic.

Literature cited by the submitters: PubMed 22833457.

NC_000006.12:g.(?_5368551)_(5431192_?)del

Genes: FARS2 (phenylalanyl-tRNA synthetase 2, mitochondrial; plus strand), LOC129995678 (ATAC-STARR-seq lymphoblastoid active region 23906; plus strand), LOC126859565 (CDK7 strongly-dependent group 2 enhancer GRCh37_chr6:5368745-5369944; plus strand). Cytogenetic location: 6p25.1.
Variant type: Deletion.
Identifiers: ClinVar variation 540542 (VCV000540542.7).